The following is an entry in ClinVar:

NM_017909.4(RMND1):c.1286A>T (p.Glu429Val)

Gene: RMND1 (required for meiotic nuclear division 1 homolog; minus strand). Cytogenetic location: 6q25.1.
Variant type: single nucleotide variant.
Coding change: c.1286A>T on transcript NM_017909.4 (MANE Select); coding-DNA position 1286, A replaced by T.
Protein change: p.Glu429Val; replaces glutamic acid 429 with valine.
Molecular consequence: missense variant.
Genome position (GRCh38, 1-based): chr6:151,405,751, T>A on the plus strand (A>T on the coding strand, the complement: RMND1 is on the minus strand). VCF-style: chr6-151405751-T-A. GRCh37 (hg19) VCF-style: chr6-151726886-T-A.
Other names: c.776A>T, p.Glu259Val (NM_001271937.2); c.[1286A>T] (NM_017909.4); short protein forms E259V, E429V.
Identifiers: ClinVar variation 666266 (VCV000666266.1), dbSNP rs1582936202, ClinGen allele CA366091918.

ClinVar aggregate classification (germline): Uncertain significance (1 of 4 stars; one submission).

Conditions:
Combined oxidative phosphorylation defect type 11. Also called: Combined oxidative phosphorylation deficiency 11; ENCEPHALONEUROMYOPATHY, INFANTILE, DUE TO MITOCHONDRIAL TRANSLATION DEFECT. Identifiers: Orphanet 324535, MedGen C5190991, MONDO:0013969, OMIM 614922.

Submission:

Genetics Laboratory - UDIAT Centre Diagnòstic, Hospital Universitari Parc Tauli
Classification: Uncertain significance for Combined oxidative phosphorylation defect type 11. Last evaluated: 2019-07-10. Review status: criteria provided, single submitter. Criteria: ACMG Guidelines, 2015. Collection method: clinical testing. Allele origin: biparental. Affected: yes.
Comment: Seen in combination with c.1049T>C